The following is an entry in ClinVar:

ClinVar aggregate classification (germline): Likely pathogenic. Review status: criteria provided, single submitter (1 of 4 stars). 2 submissions from 2 submitters: Likely pathogenic (1). 1 of the submissions does not count toward it. Last evaluated 2024-06-07.

Conditions:
Mucopolysaccharidosis, MPS-II (MPS2). Also called: IDS deficiency; Sulfoiduronate sulfatase deficiency; SIDS deficiency; Mucopolysaccharidosis type 2; Mucopolysaccharidosis Type II; Attenuated MPS (subtype; formerly known as mild MPS II). Identifiers: Orphanet 580, Orphanet 79388, MedGen C0026705, MONDO:0010674, OMIM 309900.

Submissions (2):

Laboratory of Diagnosis and Therapy of Lysosomal Disorders, University of Padova
Classification: Likely pathogenic for Mucopolysaccharidosis, MPS-II. Last evaluated: 2024-06-07. Review status: criteria provided, single submitter. Criteria: ACMG Guidelines, 2015. Collection method: literature only. Allele origin: germline. Affected: yes. Observed: 1 variant allele.
Comment: Null variant (PVS1_Moderate), Absent from controls (or at low frequency) in gnomAD database (PM2_Moderate), Patient’s phenotype or family history highly specific for the disease (PP4_Strong)

Classification method: ACMG Guidelines [PMID:25741868] with modifications

Laboratory of Inherited Metabolic Diseases, Research centre for medical genetics
Classification: Pathogenic for Mucopolysaccharidosis, type II; MPS2. Review status: no assertion criteria provided. Collection method: research. Allele origin: germline. Affected: yes. Not counted in ClinVar's aggregate classification.

Literature cited by the submitters: PubMed 33676511 (cited by Laboratory of Diagnosis and Therapy of Lysosomal Disorders, University of Padova).

NM_000202.8(IDS):c.104-1_104delinsT

Gene: IDS (iduronate 2-sulfatase; minus strand). Cytogenetic location: Xq28.
Variant type: Indel.
Coding change: c.104-1_104delinsT on transcript NM_000202.8 (MANE Select); the canonical splice acceptor site of the intron before coding-DNA position 104 through coding-DNA position 104, GA replaced by T.
Molecular consequence: splice acceptor variant.
Genome position (GRCh38, 1-based): chrX:149,504,293-149,504,294, TC replaced by A on the plus strand (GA replaced by T on the coding strand, the reverse complement: IDS is on the minus strand). VCF-style: chrX-149504293-TC-A. GRCh37 (hg19) VCF-style: chrX-148585823-TC-A.
Other names: c.-123-1_-123delinsT (NM_001166550.4); c.104-1_104delinsT (NM_006123.5).
Identifiers: ClinVar variation 988705 (VCV000988705.3), dbSNP rs2089505743, ClinGen allele CA2465011190.
Genomic context (GRCh38, chrX:149,504,293, plus strand): 5'-CCATAACAGCCCAGGGAGGGGCGCAGGTCATCCACGATGATGAGAAGAACGTTCAGAGCA[TC>A]TACACAGGAGGGAGGGGCTTTGGTGAGGTAACCTGCACTGACACTGAACCCTCCCTCATG-3'